The following is an entry in ClinVar:

NM_002529.4(NTRK1):c.1294C>G (p.Leu432Val)

Gene: NTRK1 (neurotrophic receptor tyrosine kinase 1; plus strand). Cytogenetic location: 1q23.1.
Variant type: single nucleotide variant.
Coding change: c.1294C>G on transcript NM_002529.4 (MANE Select); coding-DNA position 1294, C replaced by G.
Protein change: p.Leu432Val; replaces leucine 432 with valine.
Molecular consequence: missense variant.
Genome position (GRCh38, 1-based): chr1:156,874,948, C>G. VCF-style: chr1-156874948-C-G. GRCh37 (hg19) VCF-style: chr1-156844740-C-G.
Other names: c.1186C>G, p.Leu396Val (NM_001007792.1); c.1276C>G, p.Leu426Val (NM_001012331.2); short protein forms L426V, L396V, L432V.
Identifiers: ClinVar variation 1477360 (VCV001477360.5), dbSNP rs1392681907, ClinGen allele CA342936946.

ClinVar aggregate classification (germline): Uncertain significance (1 of 4 stars; one submission).

Conditions:
Hereditary insensitivity to pain with anhidrosis (CIPA). Also called: INSENSITIVITY TO PAIN, CONGENITAL, WITH ANHIDROSIS; FAMILIAL DYSAUTONOMIA, TYPE II; NEUROPATHY, CONGENITAL SENSORY, WITH ANHIDROSIS; NTRK1 Congenital Insensitivity to Pain with Anhidrosis; HSAN Type IV; hereditary sensory and autonomic neuropathy type 4. Identifiers: Orphanet 642, MedGen C0020074, MONDO:0009746, OMIM 256800.

Allele frequency attached by ClinVar (database versions not stated): gnomAD exomes below 0.00001.
gnomAD v4.1: 1 of 1,614,050 alleles (0.000062%); no homozygotes.

Submission:

Labcorp Genetics (formerly Invitae), Labcorp
Classification: Uncertain significance for Hereditary insensitivity to pain with anhidrosis. Last evaluated: 2022-07-19. Review status: criteria provided, single submitter. Criteria: Invitae Variant Classification Sherloc (09022015). Collection method: clinical testing. Allele origin: germline.
Comment: This sequence change replaces leucine, which is neutral and non-polar, with valine, which is neutral and non-polar, at codon 426 of the NTRK1 protein (p.Leu426Val). This variant is present in population databases (no rsID available, gnomAD 0.01%). This missense change has been observed in individual(s) with clinical features of hereditary sensory and autonomic neuropathy (Invitae). ClinVar contains an entry for this variant (Variation ID: 1477360). Advanced modeling of protein sequence and biophysical properties (such as structural, functional, and spatial information, amino acid conservation, physicochemical variation, residue mobility, and thermodynamic stability) performed at Invitae indicates that this missense variant is not expected to disrupt NTRK1 protein function. In summary, the available evidence is currently insufficient to determine the role of this variant in disease. Therefore, it has been classified as a Variant of Uncertain Significance.